The following is an entry in ClinVar:

NM_001242896.3(DEPDC5):c.2482C>G (p.Pro828Ala)

Gene: DEPDC5 (DEP domain containing 5, GATOR1 subcomplex subunit; plus strand). Cytogenetic location: 22q12.3.
Variant type: single nucleotide variant.
Coding change: c.2482C>G on transcript NM_001242896.3 (MANE Select); coding-DNA position 2482, C replaced by G.
Protein change: p.Pro828Ala; replaces proline 828 with alanine.
Molecular consequence: missense variant. On other transcripts: non-coding transcript variant (5).
Genome position (GRCh38, 1-based): chr22:31,838,812, C>G. VCF-style: chr22-31838812-C-G. GRCh37 (hg19) VCF-style: chr22-32234798-C-G.
Other names: c.2455C>G, p.Pro819Ala (NM_001136029.4, NM_001369903.1, NM_014662.6); c.2248C>G, p.Pro750Ala (NM_001242897.2, NM_001363854.2, NM_001364319.2); c.2482C>G, p.Pro828Ala (NM_001363852.2, NM_001364318.2, NM_001364320.2); c.2398C>G, p.Pro800Ala (NM_001369901.1, NM_001369902.1); short protein forms P750A, P800A, P819A, P828A.
Identifiers: ClinVar variation 4725020 (VCV004725020.1).

ClinVar aggregate classification (germline): Uncertain significance (1 of 4 stars; one submission).

Conditions:
Familial focal epilepsy with variable foci (FPEVF). Identifiers: Orphanet 98820, MedGen C1858477, MONDO:0020310.

Submission:

Labcorp Genetics (formerly Invitae), Labcorp
Classification: Uncertain significance for Familial focal epilepsy with variable foci. Last evaluated: 2025-08-08. Review status: criteria provided, single submitter. Criteria: Invitae Variant Classification Sherloc (09022015). Collection method: clinical testing. Allele origin: germline.
Comment: This sequence change replaces proline, which is neutral and non-polar, with alanine, which is neutral and non-polar, at codon 828 of the DEPDC5 protein (p.Pro828Ala). This variant is not present in population databases (gnomAD no frequency). This variant has not been reported in the literature in individuals affected with DEPDC5-related conditions. Experimental studies and prediction algorithms are not available or were not evaluated, and the functional significance of this variant is currently unknown. In summary, the available evidence is currently insufficient to determine the role of this variant in disease. Therefore, it has been classified as a Variant of Uncertain Significance.